The following is an entry in ClinVar:

NM_000059.4(BRCA2):c.3900G>A (p.Met1300Ile)

Gene: BRCA2 (BRCA2 DNA repair associated; plus strand). Cytogenetic location: 13q13.1.
Variant type: single nucleotide variant.
Coding change: c.3900G>A on transcript NM_000059.4 (MANE Select); coding-DNA position 3900, G replaced by A.
Protein change: p.Met1300Ile; replaces methionine 1300 with isoleucine.
Molecular consequence: missense variant.
Genome position (GRCh38, 1-based): chr13:32,338,255, G>A. VCF-style: chr13-32338255-G-A. GRCh37 (hg19) VCF-style: chr13-32912392-G-A.
Other names: short protein forms M1300I.
Identifiers: ClinVar variation 231530 (VCV000231530.27), dbSNP rs876659209, ClinGen allele CA10579595.

ClinVar aggregate classification (germline): Conflicting classifications of pathogenicity. Review status: criteria provided, conflicting classifications (1 of 4 stars). 10 submissions from 10 submitters: Uncertain significance (8); Likely benign (2). Last evaluated 2026-05-06.

Conditions:
Hereditary cancer-predisposing syndrome. Also called: Hereditary neoplastic syndrome; Neoplastic Syndromes, Hereditary; Hereditary Cancer Syndrome; Tumor predisposition. Identifiers: Orphanet 140162, MedGen C0027672, MeSH D009386, MONDO:0015356.
Hereditary breast ovarian cancer syndrome. Also called: Hereditary breast and ovarian cancer; Hereditary breast and/or ovarian cancer syndrome; BRCA1- and BRCA2-Associated Hereditary Breast and Ovarian Cancer; Hereditary breast and ovarian cancer syndrome; Hereditary breast and ovarian cancer syndrome (HBOC); Breast and ovarian cancer. Identifiers: Orphanet 145, MedGen C0677776, MeSH D061325, MONDO:0003582. Disease mechanism: loss of function.
Breast-ovarian cancer, familial, susceptibility to, 2 (BROVCA2). Also called: BRCA2 Hereditary Breast and Ovarian Cancer. Identifiers: Orphanet 145, MedGen C2675520, MONDO:0012933, OMIM 612555. Disease mechanism: loss of function.

Allele frequency attached by ClinVar (database versions not stated): gnomAD exomes below 0.00001; TOPMed below 0.00001.

Submissions (10):

Myriad Genetics, Inc.
Classification: Likely benign for Breast-ovarian cancer, familial, susceptibility to, 2. Last evaluated: 2026-05-06. Review status: criteria provided, single submitter. Criteria: Myriad Autosomal Dominant, Autosomal Recessive and X-Linked Classification Criteria (2023). Collection method: clinical testing. Allele origin: unknown.
Comment: This variant is considered likely benign. This variant is strongly associated with less severe personal and family histories of cancer, typical for individuals without pathogenic variants in this gene [PMID: 25085752].

Labcorp Genetics (formerly Invitae), Labcorp
Classification: Uncertain significance for Hereditary breast ovarian cancer syndrome. Last evaluated: 2025-12-24. Review status: criteria provided, single submitter. Criteria: Invitae Variant Classification Sherloc (09022015). Collection method: clinical testing. Allele origin: germline.
Comment: This sequence change replaces methionine, which is neutral and non-polar, with isoleucine, which is neutral and non-polar, at codon 1300 of the BRCA2 protein (p.Met1300Ile). The frequency data for this variant in the population databases is considered unreliable, as metrics indicate poor data quality at this position in the gnomAD database. This missense change has been observed in individual(s) with breast cancer (PMID: 25186627). ClinVar contains an entry for this variant (Variation ID: 231530). Invitae Evidence Modeling of protein sequence and biophysical properties (such as structural, functional, and spatial information, amino acid conservation, physicochemical variation, residue mobility, and thermodynamic stability) indicates that this missense variant is not expected to disrupt BRCA2 protein function with a negative predictive value of 95%. In summary, the available evidence is currently insufficient to determine the role of this variant in disease. Therefore, it has been classified as a Variant of Uncertain Significance.

GeneDx
Classification: Uncertain significance. Last evaluated: 2024-01-28. Review status: criteria provided, single submitter. Criteria: GeneDx Variant Classification Process June 2021. Collection method: clinical testing. Allele origin: germline. Affected: yes.
Comment: Observed in an individual with breast cancer (PMID: 25186627); Not observed at significant frequency in large population cohorts (gnomAD); In silico analysis supports that this missense variant has a deleterious effect on protein structure/function; Also known as 4128G>A; This variant is associated with the following publications: (PMID: 33293522, 25186627)

Ambry Genetics
Classification: Uncertain significance for Hereditary cancer-predisposing syndrome. Last evaluated: 2024-01-20. Review status: criteria provided, single submitter. Criteria: Ambry Variant Classification Scheme 2023. Collection method: clinical testing. Allele origin: germline.
Comment: The p.M1300I variant (also known as c.3900G>A), located in coding exon 10 of the BRCA2 gene, results from a G to A substitution at nucleotide position 3900. The methionine at codon 1300 is replaced by isoleucine, an amino acid with highly similar properties. This amino acid position is poorly conserved in available vertebrate species. In addition, this alteration is predicted to be tolerated by in silico analysis. Since supporting evidence is limited at this time, the clinical significance of this alteration remains unclear.

All of Us Research Program, National Institutes of Health
Classification: Uncertain significance for Breast-ovarian cancer, familial, susceptibility to, 2. Last evaluated: 2023-12-18. Review status: criteria provided, single submitter. Criteria: ACMG Guidelines, 2015. Collection method: clinical testing. Allele origin: germline. Inheritance: Autosomal dominant inheritance. Observed: 2 variant alleles, 2 heterozygotes.
Comment: This missense variant replaces methionine with isoleucine at codon 1300 of the BRCA2 protein. Computational prediction suggests that this variant may not impact protein structure and function (internally defined REVEL score threshold <= 0.5, PMID: 27666373). To our knowledge, functional studies have not been reported for this variant. This variant has been reported in an individual affected with breast cancer (PMID: 25186627). This variant has been identified in 1/202086 chromosomes in the general population by the Genome Aggregation Database (gnomAD). The available evidence is insufficient to determine the role of this variant in disease conclusively. Therefore, this variant is classified as a Variant of Uncertain Significance.

This study involves interpretation of variants in research participants for the purpose of population health screening. Participant phenotype was not available at the time of variant classification. Additional details can be found in publication PMID: 35346344, PMCID: PMC8962531

Color Diagnostics, LLC DBA Color Health
Classification: Uncertain significance for Hereditary cancer-predisposing syndrome. Last evaluated: 2023-12-07. Review status: criteria provided, single submitter. Criteria: ACMG Guidelines, 2015. Collection method: clinical testing. Allele origin: germline.
Comment: This missense variant replaces methionine with isoleucine at codon 1300 of the BRCA2 protein. Computational prediction suggests that this variant may not impact protein structure and function (internally defined REVEL score threshold <= 0.5, PMID: 27666373). To our knowledge, functional studies have not been reported for this variant. This variant has been reported in an individual affected with breast cancer (PMID: 25186627). This variant has been identified in 1/202086 chromosomes in the general population by the Genome Aggregation Database (gnomAD). The available evidence is insufficient to determine the role of this variant in disease conclusively. Therefore, this variant is classified as a Variant of Uncertain Significance.

Quest Diagnostics Nichols Institute San Juan Capistrano
Classification: Uncertain significance. Last evaluated: 2023-12-01. Review status: criteria provided, single submitter. Criteria: Quest Diagnostics criteria. Collection method: clinical testing. Allele origin: unknown.
Comment: The BRCA2 c.3900G>A (p.Met1300Ile) variant has been reported in the published literature in an individual with breast cancer (PMID: 25186627 (2015)). This variant is located in a region of the BRCA2 gene that is tolerant to missense sequence changes (PMID: 31911673 (2020)). The frequency of this variant in the general population, 0.000042 (1/24060 chromosomes (Genome Aggregation Database)), is uninformative in the assessment of its pathogenicity. Analysis of this variant using bioinformatics tools for the prediction of the effect of amino acid changes on protein structure and function yielded predictions that this variant is benign. Based on the available information, we are unable to determine the clinical significance of this variant.

University of Washington Department of Laboratory Medicine, University of Washington
Classification: Likely benign for Hereditary cancer-predisposing syndrome. Last evaluated: 2023-03-23. Review status: criteria provided, single submitter. Criteria: Dines et al. (Genet Med. 2020). Collection method: curation. Allele origin: germline.
Comment: Missense variant in a coldspot region where missense variants are very unlikely to be pathogenic (PMID:31911673).

BRCA2 exon 11 coldspot. Reclassification based on statistical prior probability.

Women's Health and Genetics/Laboratory Corporation of America, LabCorp
Classification: Uncertain significance. Last evaluated: 2022-10-17. Review status: criteria provided, single submitter. Criteria: LabCorp Variant Classification Summary - May 2015. Collection method: clinical testing. Allele origin: germline.
Comment: Variant summary: BRCA2 c.3900G>A (p.Met1300Ile) results in a conservative amino acid change in the encoded protein sequence. Five of five in-silico tools predict a benign effect of the variant on protein function. The variant allele was found at a frequency of 4.9e-06 in 202086 control chromosomes. The available data on variant occurrences in the general population are insufficient to allow any conclusion about variant significance. c.3900G>A has been reported in the literature in individuals affected with Hereditary Breast And Ovarian Cancer Syndrome without strong evidence for causality (Tung_2015). This report does not provide unequivocal conclusions about association of the variant with Hereditary Breast And Ovarian Cancer Syndrome. To our knowledge, no experimental evidence demonstrating an impact on protein function has been reported. Four clinical diagnostic laboratories have submitted clinical-significance assessments for this variant to ClinVar after 2014 without evidence for independent evaluation. All laboratories classified the variant as uncertain significance. Based on the evidence outlined above, the variant was classified as uncertain significance.

St. Jude Molecular Pathology, St. Jude Children's Research Hospital
Classification: Uncertain significance for Breast-ovarian cancer, familial, susceptibility to, 2. Last evaluated: 2022-09-29. Review status: criteria provided, single submitter. Criteria: St. Jude Assertion Criteria 2020. Collection method: clinical testing. Allele origin: germline.
Comment: The BRCA2 c.3900G>A (p.Met1300Ile) missense change has a maximum frequency of 0.0042% in gnomAD v2.1.1. The in silico tool REVEL predicts a benign effect on protein function, but to our knowledge this prediction has not been confirmed by functional studies. This variant has been reported in individuals with breast cancer (PMID: 25186627, 31853058). It is absent in the FLOSSIES database, which contains genetic variants from women older than 70 years of age who have never had cancer. To our knowledge, this variant has not been reported in individuals with Fanconi anemia. In summary, the evidence currently available is insufficient to determine the clinical significance of this variant. It has therefore been classified as of uncertain significance.

Literature cited by the submitters: PubMed 25085752 (cited by Myriad Genetics, Inc.); PubMed 25186627 (cited by 6 submitters); PubMed 33293522 (cited by Ambry Genetics and Quest Diagnostics Nichols Institute San Juan Capistrano); PubMed 37264024 (cited by Quest Diagnostics Nichols Institute San Juan Capistrano); PubMed 35412613 (cited by Quest Diagnostics Nichols Institute San Juan Capistrano); PubMed 31853058 (cited by Quest Diagnostics Nichols Institute San Juan Capistrano); PubMed 31911673 (cited by Quest Diagnostics Nichols Institute San Juan Capistrano).